The following is an entry in ClinVar:

NM_000193.4(SHH):c.18A>T (p.Arg6Ser)

Gene: SHH (sonic hedgehog signaling molecule; minus strand). Cytogenetic location: 7q36.3.
Variant type: single nucleotide variant.
Coding change: c.18A>T on transcript NM_000193.4 (MANE Select); coding-DNA position 18, A replaced by T.
Protein change: p.Arg6Ser; replaces arginine 6 with serine.
Molecular consequence: missense variant.
Genome position (GRCh38, 1-based): chr7:155,812,105, T>A on the plus strand (A>T on the coding strand, the complement: SHH is on the minus strand). VCF-style: chr7-155812105-T-A. GRCh37 (hg19) VCF-style: chr7-155604799-T-A.
Other names: short protein forms R6S.
Identifiers: ClinVar variation 3775133 (VCV003775133.1).

ClinVar aggregate classification (germline): Likely pathogenic (1 of 4 stars; one submission).

Conditions:
Solitary median maxillary central incisor syndrome. Also called: FUSED INCISORS; SINGLE CENTRAL MAXILLARY INCISOR; Solitary median maxillary central incisor; SMMCI SYNDROME; Single Central Incisor Syndrome. Identifiers: MedGen C1840235, MONDO:0007819, OMIM 147250, HP:0006315.

Submission:

Laboratory of Molecular Genetics, CHU Rennes
Classification: Likely pathogenic for Solitary median maxillary central incisor syndrome. Last evaluated: 2025-02-27. Review status: criteria provided, single submitter. Criteria: ACMG Guidelines, 2015. Collection method: clinical testing. Allele origin: paternal. Inheritance: Oligogenic inheritance. Affected: yes.
Comment: The NM_000193.4:c.18A>T, is a missense variant in SHH in the Hedgehog N-terminal domain (PM1), absent from controls (PM2), predicted pathogenic by prediction tools (PP3).